The following is an entry in ClinVar:

NM_004840.3(ARHGEF6):c.1085C>T (p.Ser362Leu)

Gene: ARHGEF6 (Rac/Cdc42 guanine nucleotide exchange factor 6; minus strand). Cytogenetic location: Xq26.3.
Variant type: single nucleotide variant.
Coding change: c.1085C>T on transcript NM_004840.3 (MANE Select); coding-DNA position 1085, C replaced by T.
Protein change: p.Ser362Leu; replaces serine 362 with leucine.
Molecular consequence: missense variant.
Genome position (GRCh38, 1-based): chrX:136,690,710, G>A on the plus strand (C>T on the coding strand, the complement: ARHGEF6 is on the minus strand). VCF-style: chrX-136690710-G-A. GRCh37 (hg19) VCF-style: chrX-135772869-G-A.
Other names: c.623C>T, p.Ser208Leu (NM_001306177.2); c.1085C>T (NM_004840.2); short protein forms S208L, S362L.
Identifiers: ClinVar variation 3764569 (VCV003764569.2).

ClinVar aggregate classification (germline): Uncertain significance. Review status: criteria provided, multiple submitters, no conflicts (2 of 4 stars). 2 submissions from 2 submitters: Uncertain significance (2). Last evaluated 2025-06-07.

Conditions:
ARHGEF6-related disorder. Also called: ARHGEF6-related condition.

gnomAD v4.1: 13 of 1,208,496 alleles (0.0011%); highest among the groups gnomAD compares: African/African-American, 0.007%; no homozygotes.

Submissions (2):

Ambry Genetics
Classification: Uncertain significance. Last evaluated: 2025-06-07. Review status: criteria provided, single submitter. Criteria: Ambry Variant Classification Scheme 2023. Collection method: clinical testing. Allele origin: germline.

Daryl Scott Lab, Baylor College of Medicine
Classification: Uncertain significance for ARHGEF6-related disorder. Last evaluated: 2024-01-01. Review status: criteria provided, single submitter. Criteria: ACMG Guidelines, 2015. Collection method: clinical testing. Allele origin: maternal. Observed: 1 heterozygote.
Comment: PM2